The following is an entry in ClinVar:

ClinVar aggregate classification (germline): Likely benign (1 of 4 stars; one submission).

Conditions:
PLXNA4-related disorder. Also called: PLXNA4-related condition.

Submission:

PreventionGenetics, part of Exact Sciences
Classification: Likely benign for PLXNA4-related condition. Last evaluated: 2026-02-17. Review status: criteria provided, single submitter. Criteria: ACMG Guidelines, 2015. Collection method: clinical testing. Allele origin: germline.
Comment: This variant is classified as likely benign based on ACMG/AMP sequence variant interpretation guidelines (Richards et al. 2015 PMID: 25741868, with internal and published modifications).

NM_020911.2(PLXNA4):c.4917T>C (p.Pro1639=)

Gene: PLXNA4 (plexin A4; minus strand). Cytogenetic location: 7q32.3.
Variant type: single nucleotide variant.
Coding change: c.4917T>C on transcript NM_020911.2 (MANE Select); coding-DNA position 4917, T replaced by C.
Protein change: p.Pro1639=; no amino-acid change (proline 1639 retained).
Molecular consequence: synonymous variant.
Genome position (GRCh38, 1-based): chr7:132,146,648, A>G on the plus strand (T>C on the coding strand, the complement: PLXNA4 is on the minus strand). VCF-style: chr7-132146648-A-G. GRCh37 (hg19) VCF-style: chr7-131831407-A-G.
Other names: c.4917T>C, p.Pro1639= (NM_001393897.1).
Identifiers: ClinVar variation 4987012 (VCV004987012.1).
Genomic context (GRCh38, chr7:132,146,648, plus strand): 5'-CTCGTGGTTCTTCACTAGGTGCCACATCTTGACTCCACTCTCCAGGTCAGGAGTGATCAT[A>G]GGTGTCCGTGAGCGGAGGCTGTCGGGGCTGCCCGTGTACCGGATCATGTTTTCTGCCAAG-3'
Protein context (NP_065962.1, residues 1629-1649): GSPDSLRSRT[Pro1639=]MITPDLESGV